The following is an entry in ClinVar:

ClinVar aggregate classification (germline): Uncertain significance (1 of 4 stars; one submission).

Submission:

GeneDx
Classification: Uncertain significance. Last evaluated: 2017-08-31. Review status: criteria provided, single submitter. Criteria: GeneDx Variant Classification (06012015). Collection method: clinical testing. Allele origin: germline. Affected: yes.
Comment: The F42S variant in the CTBP1 gene has not been reported previously as a pathogenic variant, nor as a benign variant, to our knowledge. The F42S variant is not observed in large population cohorts (Lek et al., 2016; 1000 Genomes Consortium et al., 2015; Exome Variant Server). The F42S variant is a non-conservative amino acid substitution, which is likely to impact secondary protein structure as these residues differ in polarity, charge, size and/or other properties. This substitution occurs at a position that is conserved across species, and in silico analysis predicts this variant is probably damaging to the protein structure/function. We interpret F42S as a variant of uncertain significance.

NM_001012614.2(CTBP1):c.125T>C (p.Phe42Ser)

Gene: CTBP1 (C-terminal binding protein 1; minus strand). Cytogenetic location: 4p16.3.
Variant type: single nucleotide variant.
Coding change: c.125T>C on transcript NM_001012614.2 (MANE Select); coding-DNA position 125, T replaced by C.
Protein change: p.Phe42Ser; replaces phenylalanine 42 with serine.
Molecular consequence: missense variant.
Genome position (GRCh38, 1-based): chr4:1,238,220, A>G on the plus strand (T>C on the coding strand, the complement: CTBP1 is on the minus strand). VCF-style: chr4-1238220-A-G. GRCh37 (hg19) VCF-style: chr4-1232008-A-G.
Other names: c.158T>C, p.Phe53Ser (NM_001328.3); short protein forms F42S, F53S.
Identifiers: ClinVar variation 451754 (VCV000451754.2), dbSNP rs1553848965, ClinGen allele CA355960785.
Genomic context (GRCh38, chr4:1,238,220, plus strand): 5'-CCCAGGCGACCACGTGGTGGTACCTTCTCATGGATCTCCTGCGTGGACTGCGCGTCGCAG[A>G]AGGCCACAGTGGCCACGTCCTTCAGGATGGGCATCTCCACTGTGCAGTCCCGGCCATCCA-3'
Protein context (NP_001012632.1, residues 32-52): PILKDVATVA[Phe42Ser]CDAQSTQEIH